The following is an entry in ClinVar:

ClinVar aggregate classification (germline): Uncertain significance. Review status: criteria provided, multiple submitters, no conflicts (2 of 4 stars). 2 submissions from 2 submitters: Uncertain significance (2). Last evaluated 2026-01-15.

Allele frequency attached by ClinVar (database versions not stated): ExAC 0.00007.
gnomAD v4.1: 19 of 1,601,670 alleles (0.0012%); highest among the groups gnomAD compares: South Asian, 0.012%; no homozygotes.

Submissions (2):

Labcorp Genetics (formerly Invitae), Labcorp
Classification: Uncertain significance. Last evaluated: 2026-01-15. Review status: criteria provided, single submitter. Criteria: Invitae Variant Classification Sherloc (09022015). Collection method: clinical testing. Allele origin: germline.
Comment: This sequence change replaces arginine, which is basic and polar, with glutamine, which is neutral and polar, at codon 555 of the PLEKHM2 protein (p.Arg555Gln). The frequency data for this variant in the population databases is considered unreliable, as metrics indicate poor data quality at this position in the gnomAD database. This variant has not been reported in the literature in individuals affected with PLEKHM2-related conditions. ClinVar contains an entry for this variant (Variation ID: 1037783). An algorithm developed to predict the effect of missense changes on protein structure and function outputs the following: PolyPhen-2: "Benign". The glutamine amino acid residue is found in multiple mammalian species, which suggests that this missense change does not adversely affect protein function. In summary, the available evidence is currently insufficient to determine the role of this variant in disease. Therefore, it has been classified as a Variant of Uncertain Significance.

Ambry Genetics
Classification: Uncertain significance. Last evaluated: 2023-12-21. Review status: criteria provided, single submitter. Criteria: Ambry Variant Classification Scheme 2023. Collection method: clinical testing. Allele origin: germline.

NM_015164.4(PLEKHM2):c.1664G>A (p.Arg555Gln)

Gene: PLEKHM2 (pleckstrin homology and RUN domain containing M2; plus strand). Cytogenetic location: 1p36.21.
Variant type: single nucleotide variant.
Coding change: c.1664G>A on transcript NM_015164.4 (MANE Select); coding-DNA position 1664, G replaced by A.
Protein change: p.Arg555Gln; replaces arginine 555 with glutamine.
Molecular consequence: missense variant.
Genome position (GRCh38, 1-based): chr1:15,727,736, G>A. VCF-style: chr1-15727736-G-A. GRCh37 (hg19) VCF-style: chr1-16054231-G-A.
Other names: c.1664G>A (NM_015164.2); short protein forms R555Q.
Identifiers: ClinVar variation 1037783 (VCV001037783.9), dbSNP rs754709565, ClinGen allele CA616970.